The following is an entry in ClinVar:

ClinVar aggregate classification (germline): Pathogenic/Likely pathogenic. Review status: criteria provided, multiple submitters, no conflicts (2 of 4 stars). 3 submissions from 3 submitters: Pathogenic (1); Likely pathogenic (2). Last evaluated 2025-08-11.
ClinVar aggregate classification (somatic clinical impact): Tier I - Strong. Review status: criteria provided, single submitter (1 of 4 stars). 2 submissions from 1 submitter. 1 of the submissions does not count toward it. Last evaluated 2025-06-06.

Conditions:
Noonan syndrome 6 (NS6). Also called: NRAS-Related Noonan Syndrome. Identifiers: Orphanet 648, MedGen C2750732, MONDO:0013186, OMIM 613224.
NRAS-related disorder. Also called: NRAS-related condition.
Cardiovascular phenotype. Identifiers: MedGen CN230736.
Medulloblastoma non-WNT/non-SHH group 3. Identifiers: MedGen C4330665, MONDO:0956966.
Embryonal rhabdomyosarcoma (ERMS). Also called: Botryoid rhabdomyosarcoma (type of ERMS); Spindle cell rhabdomyosarcomas (type of ERMS). Identifiers: Orphanet 99757, MedGen C0206656, MONDO:0009993, HP:0006743.

gnomAD v4.1: 1 of 1,614,026 alleles (0.000062%); highest among the groups gnomAD compares: Non-Finnish European, 0.000085%; no homozygotes.

Submissions (5):

3billion
Classification: Likely pathogenic for Noonan syndrome 6. Last evaluated: 2025-08-11. Review status: criteria provided, single submitter. Criteria: ACMG Guidelines, 2015. Collection method: clinical testing. Allele origin: germline. Affected: yes.
Comment: The variant is observed at an extremely low frequency in the gnomAD v4.1.0 dataset (total allele frequency: <0.001%). Predicted Consequence/Location: Missense variant. Missense changes are a common disease-causing mechanism. In silico tool predictions suggest damaging effect of the variant on gene or gene product [REVEL: 0.79 (>=0.6, sensitivity 0.68 and specificity 0.92); 3Cnet: 0.99 (> 0.75, sensitivity 0.96 and precision 0.92)]. The same nucleotide change resulting in the same amino acid change has been previously reported to be associated with NRAS-related disorder (ClinVar ID: VCV000375876).Different missense changes at the same codon (p.Gly13Ala, p.Gly13Arg, p.Gly13Asp, p.Gly13Cys) have been reported as pathogenic/likely pathogenic with strong evidence (ClinVar ID: VCV000013899, VCV000013901 /PMID: 19775298, 36699461 /3billion dataset). Therefore, this variant is classified as Likely pathogenic according to the recommendation of ACMG/AMP guideline.

Institute for Genomic Medicine (IGM) Clinical Laboratory, Nationwide Children's Hospital
Classification: Tier I - Strong for Embryonal rhabdomyosarcoma. Assertion type: diagnostic. Clinical significance: supports diagnosis. Last evaluated: 2025-06-06. Review status: criteria provided, single submitter. Criteria: AMP/ASCO/CAP Guidelines, 2017. Collection method: clinical testing. Allele origin: somatic. Affected: yes.
Comment: Variant has Tier I (strong) clinical significance as a diagnostic inclusion criterion in embryonal rhabdomyosarcoma, based on the following evidence: 1) Documented in one or more cancer databases (e.g., St. Jude Pecan, COSMIC, CIViC, OncoKB). 2) Appears in one or more well-established professional guidelines (e.g., World Health Organization [WHO]; National Comprehensive Cancer Network [NCCN]) as providing diagnostic, prognostic, or therapeutic information. 3) Diagnostic for a specific tumor type/classification based on well-powered studies with expert-level consensus (Evidence Level B; PMIDs: 24436047, 34166060, 2680062, 19681119, 24332040, 25768946).

Institute for Genomic Medicine (IGM) Clinical Laboratory, Nationwide Children's Hospital
Classification: Tier II - Potential for Medulloblastoma non-WNT/non-SHH group 3. Assertion type: diagnostic. Clinical significance: supports diagnosis. Last evaluated: 2025-02-25. Review status: criteria provided, single submitter. Criteria: AMP/ASCO/CAP Guidelines, 2017. Collection method: clinical testing. Allele origin: somatic. Affected: yes. Not counted in ClinVar's aggregate classification.
Comment: Variant has Tier II (potential) clinical significance as a diagnostic inclusion criterion in medulloblastoma non-WNT/non-SHH group 3, based on the following evidence: 1) Documented in one or more cancer databases (e.g., St. Jude Pecan, COSMIC, CIViC, OncoKB). 2) Information in the literature supports potential biologic effect of variant (PMIDs: 9219684, 20371679). 3) Diagnostic significance based on multiple small studies (Evidence Level C; PMIDs: 2056968, 2691018, 38736183, 16434186).

Blueprint Genetics
Classification: Pathogenic for NRAS-related disorders. Last evaluated: 2020-08-05. Review status: criteria provided, single submitter. Criteria: ACMG Guidelines, 2015. Collection method: clinical testing. Allele origin: germline. Affected: yes. Observed: 1 variant allele.

Ambry Genetics
Classification: Likely pathogenic for Cardiovascular phenotype. Last evaluated: 2018-07-02. Review status: criteria provided, single submitter. Criteria: Ambry Variant Classification Scheme 2023. Collection method: clinical testing. Allele origin: germline.
Comment: ASSESSED FOR SOMATIC SAMPLE ONLY. FOR ANY GERMLINE INDICATION, PLEASE REASSESS.

Literature cited by the submitters: PubMed 19775298 (cited by 3billion); PubMed 24436047 (cited by Institute for Genomic Medicine (IGM) Clinical Laboratory, Nationwide Children's Hospital); PubMed 34166060 (cited by Institute for Genomic Medicine (IGM) Clinical Laboratory, Nationwide Children's Hospital); PubMed 2680062 (cited by Institute for Genomic Medicine (IGM) Clinical Laboratory, Nationwide Children's Hospital); PubMed 19681119 (cited by Institute for Genomic Medicine (IGM) Clinical Laboratory, Nationwide Children's Hospital); PubMed 24332040 (cited by Institute for Genomic Medicine (IGM) Clinical Laboratory, Nationwide Children's Hospital); PubMed 25768946 (cited by Institute for Genomic Medicine (IGM) Clinical Laboratory, Nationwide Children's Hospital); PubMed 9219684 (cited by Institute for Genomic Medicine (IGM) Clinical Laboratory, Nationwide Children's Hospital); PubMed 20371679 (cited by Institute for Genomic Medicine (IGM) Clinical Laboratory, Nationwide Children's Hospital); PubMed 2056968 (cited by Institute for Genomic Medicine (IGM) Clinical Laboratory, Nationwide Children's Hospital); PubMed 2691018 (cited by Institute for Genomic Medicine (IGM) Clinical Laboratory, Nationwide Children's Hospital); PubMed 38736183 (cited by Institute for Genomic Medicine (IGM) Clinical Laboratory, Nationwide Children's Hospital); PubMed 16434186 (cited by Institute for Genomic Medicine (IGM) Clinical Laboratory, Nationwide Children's Hospital).

NM_002524.5(NRAS):c.38G>T (p.Gly13Val)

Gene: NRAS (NRAS proto-oncogene, GTPase; minus strand). Cytogenetic location: 1p13.2.
Variant type: single nucleotide variant.
Coding change: c.38G>T on transcript NM_002524.5 (MANE Select); coding-DNA position 38, G replaced by T.
Protein change: p.Gly13Val; replaces glycine 13 with valine.
Molecular consequence: missense variant.
Genome position (GRCh38, 1-based): chr1:114,716,123, C>A on the plus strand (G>T on the coding strand, the complement: NRAS is on the minus strand). VCF-style: chr1-114716123-C-A. GRCh37 (hg19) VCF-style: chr1-115258744-C-A.
Other names: c.38G>T (NM_002524.4); short protein forms G13V.
Identifiers: ClinVar variation 375876 (VCV000375876.5), dbSNP rs121434596, ClinGen allele CA16602363.